The following is an entry in ClinVar:

ClinVar aggregate classification (germline): Pathogenic. Review status: criteria provided, multiple submitters, no conflicts (2 of 4 stars). 4 submissions from 4 submitters: Pathogenic (3). 1 of the submissions does not count toward it. Last evaluated 2025-09-14.

Conditions:
ELOVL4-related disorder. Also called: ELOVL4-related condition; ELOVL4-related disorders.
Stargardt disease 3. Also called: STARGARDT-LIKE MACULAR DYSTROPHY, AUTOSOMAL DOMINANT; MACULAR DYSTROPHY WITH FLECKS, TYPE 3. Identifiers: Orphanet 827, MedGen C1838644, MONDO:0010819, OMIM 600110.

Submissions (4):

Labcorp Genetics (formerly Invitae), Labcorp
Classification: Pathogenic. Last evaluated: 2025-09-14. Review status: criteria provided, single submitter. Criteria: Invitae Variant Classification Sherloc (09022015). Collection method: clinical testing. Allele origin: germline.
Comment: This sequence change creates a premature translational stop signal (p.Asn264Leufs*9) in the ELOVL4 gene. While this is not anticipated to result in nonsense mediated decay, it is expected to disrupt the last 51 amino acid(s) of the ELOVL4 protein. This variant is not present in population databases (gnomAD no frequency). This premature translational stop signal has been observed in individual(s) with autosomal dominant Stargardt disease (PMID: 11138005). It has also been observed to segregate with disease in related individuals. ClinVar contains an entry for this variant (Variation ID: 4939). Algorithms developed to predict the effect of variants on gene product structure and function are not available or were not evaluated for this variant. Experimental studies have shown that this premature translational stop signal affects ELOVL4 function (PMID: 23509295, 24833735). For these reasons, this variant has been classified as Pathogenic.

Revvity Omics, Revvity
Classification: Pathogenic. Last evaluated: 2025-05-27. Review status: criteria provided, single submitter. Criteria: ACMG Guidelines, 2015. Collection method: clinical testing. Allele origin: germline.

Blueprint Genetics
Classification: Pathogenic for ELOVL4-related disorders. Last evaluated: 2022-11-28. Review status: criteria provided, single submitter. Criteria: ACMG Guidelines, 2015. Collection method: clinical testing. Allele origin: germline. Affected: yes. Observed: 5 variant alleles.

OMIM
Classification: Pathogenic for STARGARDT DISEASE 3. Last evaluated: 2004-04-01. Review status: no assertion criteria provided. Collection method: literature only. Allele origin: germline. Not counted in ClinVar's aggregate classification.

Literature cited by the submitters: PubMed 11138005 (cited by Labcorp Genetics (formerly Invitae), Labcorp and OMIM); PubMed 23509295 (cited by Labcorp Genetics (formerly Invitae), Labcorp); PubMed 24833735 (cited by Labcorp Genetics (formerly Invitae), Labcorp); PubMed 15028284 (cited by OMIM).

NM_022726.4(ELOVL4):c.790_794del (p.Asn264fs)

Gene: ELOVL4 (ELOVL fatty acid elongase 4; minus strand). Cytogenetic location: 6q14.1.
Variant type: Deletion.
Coding change: c.790_794del on transcript NM_022726.4 (MANE Select); coding-DNA positions 790 to 794, 5 bases deleted (AACTT; older notation c.790_794delAACTT).
Protein change: p.Asn264fs; shifts the reading frame from asparagine 264.
Molecular consequence: frameshift variant.
Genome position (GRCh38, 1-based): chr6:79,916,759-79,916,763, AAGTT deleted on the plus strand (AACTT on the coding strand, the reverse complement: ELOVL4 is on the minus strand); deleting any 5 consecutive bases within chr6:79,916,759-79,916,766 gives the same sequence; the c. name uses the placement nearest the transcript's 3' end. VCF-style (leftmost placement, unchanged base first): chr6-79916758-GAAGTT-G. GRCh37 (hg19) VCF-style: chr6-80626475-GAAGTT-G.
Other names: short protein forms N264fs.
Identifiers: ClinVar variation 4939 (VCV000004939.12), dbSNP rs1131690770, ClinGen allele CA645372824.